The following is an entry in ClinVar:

NM_001009944.3(PKD1):c.1722+6C>T

Gene: PKD1 (polycystin 1, transient receptor potential channel interacting; minus strand). Cytogenetic location: 16p13.3.
Variant type: single nucleotide variant.
Coding change: c.1722+6C>T on transcript NM_001009944.3 (MANE Select); 6 bases into the intron after coding-DNA position 1722, C replaced by T.
Molecular consequence: intron variant.
Genome position (GRCh38, 1-based): chr16:2,116,523, G>A on the plus strand (C>T on the coding strand, the complement: PKD1 is on the minus strand). VCF-style: chr16-2116523-G-A. GRCh37 (hg19) VCF-style: chr16-2166524-G-A.
Other names: c.1722+6C>T (NM_000296.3, NM_000296.4).
Identifiers: ClinVar variation 3780206 (VCV003780206.2).
Genomic context (GRCh38, chr16:2,116,523, plus strand): 5'-GCAGGGCAGGCAAGGCCTCCAGGGGCAGGCAGGAGGGCAGGTTGTAGAACGTGGGGGGCC[G>A]ACTACCTCCACGGGCTCGTGCGGGGCTGAGAGGCCGTCCTGCTGTGCCAGAGGCGTCAGG-3'

ClinVar aggregate classification (germline): Conflicting classifications of pathogenicity. Review status: criteria provided, conflicting classifications (1 of 4 stars). 2 submissions from 2 submitters: Uncertain significance (1); Likely benign (1). Last evaluated 2024-12-13.

Conditions:
Polycystic kidney disease, adult type (PKD1). Also called: Polycystic Kidney, Autosomal Dominant; POLYCYSTIC KIDNEY DISEASE 1 WITH OR WITHOUT POLYCYSTIC LIVER DISEASE; Polycystic Kidney Disease 1, Autosomal Dominant; Polycystic kidney disease 1; Polycystic kidney disease 1, severe; POLYCYSTIC KIDNEY DISEASE, ADULT, TYPE I. Identifiers: MedGen C3149841, MONDO:0008263, OMIM 173900.

Submissions (2):

Athena Diagnostics
Classification: Likely benign. Last evaluated: 2024-12-13. Review status: criteria provided, single submitter. Criteria: Athena Diagnostics Criteria. Collection method: clinical testing. Allele origin: unknown.
Comment: Computational tools yielded predictions that this variant is unlikely to have an effect on normal RNA splicing. This nucleotide position exhibits low evolutionary conservation. This variant has been seen where an alternate explanation for disease was also identified.

Department of Pathology and Laboratory Medicine, Sinai Health System
Classification: Uncertain significance for Polycystic kidney disease, adult type. Last evaluated: 2020-12-10. Review status: criteria provided, single submitter. Criteria: ACMG Guidelines, 2015. Collection method: clinical testing. Allele origin: germline. Affected: yes.